The following is an entry in ClinVar:

ClinVar aggregate classification (germline): Uncertain significance (1 of 4 stars; one submission).

Submission:

GeneDx
Classification: Uncertain significance. Last evaluated: 2023-06-26. Review status: criteria provided, single submitter. Criteria: GeneDx Variant Classification Process June 2021. Collection method: clinical testing. Allele origin: germline. Affected: yes.
Comment: Not observed at significant frequency in large population cohorts (gnomAD); In silico analysis supports that this missense variant has a deleterious effect on protein structure/function; Has not been previously published as pathogenic or benign to our knowledge

NM_004859.4(CLTC):c.1413C>A (p.Asp471Glu)

Gene: CLTC (clathrin heavy chain; plus strand). Cytogenetic location: 17q23.1.
Variant type: single nucleotide variant.
Coding change: c.1413C>A on transcript NM_004859.4 (MANE Select); coding-DNA position 1413, C replaced by A.
Protein change: p.Asp471Glu; replaces aspartic acid 471 with glutamic acid.
Molecular consequence: missense variant.
Genome position (GRCh38, 1-based): chr17:59,663,886, C>A. VCF-style: chr17-59663886-C-A. GRCh37 (hg19) VCF-style: chr17-57741247-C-A.
Other names: c.1425C>A, p.Asp475Glu (NM_001288653.2); short protein forms D471E, D475E.
Identifiers: ClinVar variation 3360392 (VCV003360392.1).